The following is an entry in ClinVar:

ClinVar aggregate classification (germline): Uncertain significance (1 of 4 stars; one submission).

Conditions:
Compton-North congenital myopathy (CMYO12). Identifiers: Orphanet 210163, MedGen C2675527, MONDO:0012929, OMIM 612540.

gnomAD v4.1: 3 of 1,613,706 alleles (0.00019%); highest among the groups gnomAD compares: African/African-American, 0.004%; no homozygotes.

Submission:

Labcorp Genetics (formerly Invitae), Labcorp
Classification: Uncertain significance for Compton-North congenital myopathy. Last evaluated: 2020-11-21. Review status: criteria provided, single submitter. Criteria: Invitae Variant Classification Sherloc (09022015). Collection method: clinical testing. Allele origin: germline.
Comment: In summary, the available evidence is currently insufficient to determine the role of this variant in disease. Therefore, it has been classified as a Variant of Uncertain Significance. Algorithms developed to predict the effect of missense changes on protein structure and function are either unavailable or do not agree on the potential impact of this missense change (SIFT: "Deleterious"; PolyPhen-2: "Benign"; Align-GVGD: "Class C0"). This variant has not been reported in the literature in individuals with CNTN1-related conditions. ClinVar contains an entry for this variant (Variation ID: 576180). This variant is not present in population databases (ExAC no frequency). This sequence change replaces serine with asparagine at codon 632 of the CNTN1 protein (p.Ser632Asn). The serine residue is highly conserved and there is a small physicochemical difference between serine and asparagine.

NM_001843.4(CNTN1):c.1895G>A (p.Ser632Asn)

Gene: CNTN1 (contactin 1; plus strand). Cytogenetic location: 12q12.
Variant type: single nucleotide variant.
Coding change: c.1895G>A on transcript NM_001843.4 (MANE Select); coding-DNA position 1895, G replaced by A.
Protein change: p.Ser632Asn; replaces serine 632 with asparagine.
Molecular consequence: missense variant.
Genome position (GRCh38, 1-based): chr12:40,980,999, G>A. VCF-style: chr12-40980999-G-A. GRCh37 (hg19) VCF-style: chr12-41374801-G-A.
Other names: c.1862G>A, p.Ser621Asn (NM_175038.2); short protein forms S632N, S621N.
Identifiers: ClinVar variation 576180 (VCV000576180.9), dbSNP rs199886411, ClinGen allele CA235943707.